The following is an entry in ClinVar:

ClinVar aggregate classification (germline): Likely benign. Review status: criteria provided, multiple submitters, no conflicts (2 of 4 stars). 3 submissions from 3 submitters: Likely benign (3). Last evaluated 2025-03-24.

Conditions:
Inborn genetic diseases. Identifiers: MedGen C0950123, MeSH D030342.

Allele frequency attached by ClinVar (database versions not stated): TOPMed below 0.00001; gnomAD 0.00001; gnomAD exomes 0.00001 and 0.00002; ExAC 0.00002.
gnomAD v4.1: 14 of 1,614,034 alleles (0.00087%); highest among the groups gnomAD compares: Non-Finnish European, 0.0012%; no homozygotes.

Submissions (3):

Labcorp Genetics (formerly Invitae), Labcorp
Classification: Likely benign. Last evaluated: 2025-03-24. Review status: criteria provided, single submitter. Criteria: Invitae Variant Classification Sherloc (09022015). Collection method: clinical testing. Allele origin: germline.

Ambry Genetics
Classification: Likely benign for Inborn genetic diseases. Last evaluated: 2023-02-24. Review status: criteria provided, single submitter. Criteria: Ambry Variant Classification Scheme 2023. Collection method: clinical testing. Allele origin: germline.

CeGaT Center for Human Genetics Tuebingen
Classification: Likely benign. Last evaluated: 2022-07-01. Review status: criteria provided, single submitter. Criteria: CeGaT Center For Human Genetics Tuebingen Variant Classification Criteria Version 2. Collection method: clinical testing. Allele origin: germline. Affected: yes. Observed: 1 variant allele.
Comment: ATR: BP4, BP7

NM_001184.4(ATR):c.5100A>G (p.Pro1700=)

Gene: ATR (ATR checkpoint kinase; minus strand). Cytogenetic location: 3q23.
Variant type: single nucleotide variant.
Coding change: c.5100A>G on transcript NM_001184.4 (MANE Select); coding-DNA position 5100, A replaced by G.
Protein change: p.Pro1700=; no amino-acid change (proline 1700 retained).
Molecular consequence: synonymous variant.
Genome position (GRCh38, 1-based): chr3:142,505,235, T>C on the plus strand (A>G on the coding strand, the complement: ATR is on the minus strand). VCF-style: chr3-142505235-T-C. GRCh37 (hg19) VCF-style: chr3-142224077-T-C.
Other names: c.5100A>G (NM_001184.3); c.4908A>G, p.Pro1636= (NM_001354579.2).
Identifiers: ClinVar variation 1593590 (VCV001593590.34), dbSNP rs775736963, ClinGen allele CA2649678.